The following is an entry in ClinVar:

ClinVar aggregate classification (germline): Uncertain significance. Review status: criteria provided, multiple submitters, no conflicts (2 of 4 stars). 2 submissions from 2 submitters: Uncertain significance (2). Last evaluated 2025-03-10.

Allele frequency attached by ClinVar (database versions not stated): gnomAD 0.00001; gnomAD exomes 0.00001; ExAC 0.00030.

Submissions (2):

Labcorp Genetics (formerly Invitae), Labcorp
Classification: Uncertain significance. Last evaluated: 2025-03-10. Review status: criteria provided, single submitter. Criteria: Invitae Variant Classification Sherloc (09022015). Collection method: clinical testing. Allele origin: germline.
Comment: This sequence change replaces serine, which is neutral and polar, with glycine, which is neutral and non-polar, at codon 316 of the PRDM13 protein (p.Ser316Gly). The frequency data for this variant in the population databases is considered unreliable, as metrics indicate poor data quality at this position in the gnomAD database. This variant has not been reported in the literature in individuals affected with PRDM13-related conditions. ClinVar contains an entry for this variant (Variation ID: 2124373). An algorithm developed to predict the effect of missense changes on protein structure and function outputs the following: PolyPhen-2: "Benign". The glycine amino acid residue is found in multiple mammalian species, which suggests that this missense change does not adversely affect protein function. In summary, the available evidence is currently insufficient to determine the role of this variant in disease. Therefore, it has been classified as a Variant of Uncertain Significance.

Revvity Omics, Revvity
Classification: Uncertain significance. Last evaluated: 2024-02-12. Review status: criteria provided, single submitter. Criteria: ACMG Guidelines, 2015. Collection method: clinical testing. Allele origin: germline.

NM_021620.4(PRDM13):c.946A>G (p.Ser316Gly)

Gene: PRDM13 (PR/SET domain 13; plus strand). Cytogenetic location: 6q16.2.
Variant type: single nucleotide variant.
Coding change: c.946A>G on transcript NM_021620.4 (MANE Select); coding-DNA position 946, A replaced by G.
Protein change: p.Ser316Gly; replaces serine 316 with glycine.
Molecular consequence: missense variant.
Genome position (GRCh38, 1-based): chr6:99,613,581, A>G. VCF-style: chr6-99613581-A-G. GRCh37 (hg19) VCF-style: chr6-100061457-A-G.
Other names: c.946A>G (NM_021620.3); short protein forms S316G.
Identifiers: ClinVar variation 2124373 (VCV002124373.5), dbSNP rs754780406, ClinGen allele CA3936303.